The following is an entry in ClinVar:

NM_001365536.1(SCN9A):c.2522G>A (p.Arg841Gln)

Genes: SCN1A-AS1 (SCN1A and SCN9A antisense RNA 1; plus strand), SCN9A (sodium voltage-gated channel alpha subunit 9; minus strand). Cytogenetic location: 2q24.3.
Variant type: single nucleotide variant.
Coding change: c.2522G>A on transcript NM_001365536.1 (MANE Select); coding-DNA position 2522, G replaced by A.
Protein change: p.Arg841Gln; replaces arginine 841 with glutamine.
Molecular consequence: missense variant.
Genome position (GRCh38, 1-based): chr2:166,277,335, C>T on the plus strand (G>A on the coding strand, the complement: SCN9A is on the minus strand). VCF-style: chr2-166277335-C-T. GRCh37 (hg19) VCF-style: chr2-167133845-C-T.
Other names: c.2489G>A, p.Arg830Gln (NM_002977.4); short protein forms R841Q, R830Q.
Identifiers: ClinVar variation 953351 (VCV000953351.10), dbSNP rs754483219, ClinGen allele CA1944247.
Genomic context (GRCh38, chr2:166,277,335, plus strand): 5'-TTACCAATGATCTTAATCAGCATGTTCAATGTTGGCCAGGATTTTGCCAACTTGAAGACT[C>T]GGAGCTAAAAGCAAATATAAAGTTTAATGTTAATCACTATGAAAATCTTTTCAATGTTTC-3'
Protein context (NP_001352465.1, residues 831-851): LSVLRSFRLL[Arg841Gln]VFKLAKSWPT

ClinVar aggregate classification (germline): Uncertain significance (1 of 4 stars; one submission).

Conditions:
Generalized epilepsy with febrile seizures plus, type 7 (GEFSP7). Also called: GEFS+, TYPE 7. Identifiers: Orphanet 36387, MedGen C2751778, MONDO:0013470, OMIM 613863.
Neuropathy, hereditary sensory and autonomic, type 2A (HSAN2A). Also called: HSAN IIA; NEUROPATHY, CONGENITAL SENSORY; MORVAN DISEASE; NEUROPATHY, HEREDITARY SENSORY RADICULAR, AUTOSOMAL RECESSIVE; NEUROPATHY, HEREDITARY SENSORY, TYPE IIA; NEUROPATHY, PROGRESSIVE SENSORY, OF CHILDREN. Identifiers: Orphanet 970, MedGen C2752089, MONDO:0024309, OMIM 201300.

Allele frequency attached by ClinVar (database versions not stated): gnomAD exomes below 0.00001; ExAC 0.00001; TOPMed 0.00001.

Submission:

Labcorp Genetics (formerly Invitae), Labcorp
Classification: Uncertain significance for Neuropathy, hereditary sensory and autonomic, type 2A; Generalized epilepsy with febrile seizures plus, type 7. Last evaluated: 2023-05-14. Review status: criteria provided, single submitter. Criteria: Invitae Variant Classification Sherloc (09022015). Collection method: clinical testing. Allele origin: germline.
Comment: Advanced modeling of protein sequence and biophysical properties (such as structural, functional, and spatial information, amino acid conservation, physicochemical variation, residue mobility, and thermodynamic stability) has been performed at Invitae for this missense variant, however the output from this modeling did not meet the statistical confidence thresholds required to predict the impact of this variant on SCN9A protein function. In summary, the available evidence is currently insufficient to determine the role of this variant in disease. Therefore, it has been classified as a Variant of Uncertain Significance. ClinVar contains an entry for this variant (Variation ID: 953351). This sequence change replaces arginine, which is basic and polar, with glutamine, which is neutral and polar, at codon 830 of the SCN9A protein (p.Arg830Gln). This variant is present in population databases (rs754483219, gnomAD 0.0009%). This variant has not been reported in the literature in individuals affected with SCN9A-related conditions.